The following is an entry in ClinVar:

NM_006393.3(NEBL):c.2147A>G (p.Asn716Ser)

Genes: NEBL (nebulette; minus strand), LOC126860875 (MED14-independent group 3 enhancer GRCh37_chr10:21105746-21106945; plus strand). Cytogenetic location: 10p12.31.
Variant type: single nucleotide variant.
Coding change: c.2147A>G on transcript NM_006393.3 (MANE Select); coding-DNA position 2147, A replaced by G.
Protein change: p.Asn716Ser; replaces asparagine 716 with serine.
Molecular consequence: missense variant. On other transcripts: intron variant (9).
Genome position (GRCh38, 1-based): chr10:20,817,601, T>C on the plus strand (A>G on the coding strand, the complement: NEBL is on the minus strand). VCF-style: chr10-20817601-T-C. GRCh37 (hg19) VCF-style: chr10-21106530-T-C.
Other names: c.250-4661A>G (NM_001377326.1, NM_001377327.1, NM_001377328.1); c.358-4661A>G (NM_213569.2, NM_001173484.2, NM_001377322.1); c.301-4661A>G (NM_001377324.1); c.292-4661A>G (NM_001377325.1); c.310-4661A>G (NM_001377323.1); short protein forms N716S.
Identifiers: ClinVar variation 1975958 (VCV001975958.5), dbSNP rs2491645188, ClinGen allele CA376094024.

ClinVar aggregate classification (germline): Uncertain significance (1 of 4 stars; one submission).

Conditions:
Primary dilated cardiomyopathy (DCM). Also called: Dilated Cardiomyopathy. Identifiers: Orphanet 217604, MedGen C0007193, MeSH D002311, MONDO:0005021, HP:0001644. Inheritance: Various modes of inheritance.

Submission:

Labcorp Genetics (formerly Invitae), Labcorp
Classification: Uncertain significance for Primary dilated cardiomyopathy. Last evaluated: 2022-05-25. Review status: criteria provided, single submitter. Criteria: Invitae Variant Classification Sherloc (09022015). Collection method: clinical testing. Allele origin: germline.
Comment: This variant has not been reported in the literature in individuals affected with NEBL-related conditions. Algorithms developed to predict the effect of missense changes on protein structure and function (SIFT, PolyPhen-2, Align-GVGD) all suggest that this variant is likely to be tolerated. Algorithms developed to predict the effect of sequence changes on RNA splicing suggest that this variant may create or strengthen a splice site. In summary, the available evidence is currently insufficient to determine the role of this variant in disease. Therefore, it has been classified as a Variant of Uncertain Significance. This sequence change replaces asparagine, which is neutral and polar, with serine, which is neutral and polar, at codon 716 of the NEBL protein (p.Asn716Ser). This variant is not present in population databases (gnomAD no frequency).